The following is an entry in ClinVar:

ClinVar aggregate classification (germline): Benign/Likely benign. Review status: criteria provided, multiple submitters, no conflicts (2 of 4 stars). 3 submissions from 3 submitters: Benign (2); Likely benign (1). Last evaluated 2025-10-01.

Conditions:
Succinyl-CoA acetoacetate transferase deficiency (SCOTD). Also called: Succinyl CoA:3-oxoacid CoA transferase deficiency; 3-Oxoacid CoA Transferase Deficiency; KETOACIDOSIS DUE TO SCOT DEFICIENCY; SCOT DEFICIENCY; SUCCINYL-CoA:3-KETOACID CoA-TRANSFERASE DEFICIENCY. Identifiers: Orphanet 832, MedGen C0342792, MONDO:0009492, OMIM 245050.

Allele frequency attached by ClinVar (database versions not stated): 1000 Genomes Project 30x 0.00078; 1000 Genomes Project 0.00100.
gnomAD v4.1: 349 of 1,613,904 alleles (0.022%); highest among the groups gnomAD compares: South Asian, 0.36%; 1 homozygote.

Submissions (3):

Labcorp Genetics (formerly Invitae), Labcorp
Classification: Benign for Succinyl-CoA acetoacetate transferase deficiency. Last evaluated: 2025-10-01. Review status: criteria provided, single submitter. Criteria: Invitae Variant Classification Sherloc (09022015). Collection method: clinical testing. Allele origin: germline.

Illumina Laboratory Services, Illumina
Classification: Likely benign for Succinyl-CoA acetoacetate transferase deficiency. Last evaluated: 2017-04-27. Review status: criteria provided, single submitter. Criteria: ICSL Variant Classification Criteria 13 December 2019. Collection method: clinical testing. Allele origin: germline.
Comment: This variant was observed as part of a predisposition screen in an ostensibly healthy population. A literature search was performed for the gene, cDNA change, and amino acid change (where applicable). No publications were found based on this search. Allele frequency data from public databases allowed determination this variant is unlikely to cause disease. Therefore, this variant is classified as likely benign.

Eurofins Ntd Llc (ga)
Classification: Benign. Last evaluated: 2013-02-22. Review status: criteria provided, single submitter. Criteria: EGL Classification Definitions 2015. Collection method: clinical testing. Allele origin: germline. Observed: 1 variant allele, 1 heterozygote.

NM_000436.4(OXCT1):c.480G>A (p.Gly160=)

Gene: OXCT1 (3-oxoacid CoA-transferase 1; minus strand). Cytogenetic location: 5p13.1.
Variant type: single nucleotide variant.
Coding change: c.480G>A on transcript NM_000436.4 (MANE Select); coding-DNA position 480, G replaced by A.
Protein change: p.Gly160=; no amino-acid change (glycine 160 retained).
Molecular consequence: synonymous variant. On other transcripts: non-coding transcript variant (1).
Genome position (GRCh38, 1-based): chr5:41,850,114, C>T on the plus strand (G>A on the coding strand, the complement: OXCT1 is on the minus strand). VCF-style: chr5-41850114-C-T. GRCh37 (hg19) VCF-style: chr5-41850216-C-T.
Other names: c.501G>A, p.Gly167= (NM_001364299.2, NM_001364300.2); c.480G>A, p.Gly160= (NM_001364301.2, NM_001364302.2).
Identifiers: ClinVar variation 93006 (VCV000093006.17), dbSNP rs78432029, ClinGen allele CA146170.